The following is an entry in ClinVar:

ClinVar aggregate classification (germline): Uncertain significance. Review status: criteria provided, multiple submitters, no conflicts (2 of 4 stars). 3 submissions from 3 submitters: Uncertain significance (3). Last evaluated 2025-12-09.

Conditions:
Leukemia, acute lymphoblastic, susceptibility to, 3 (ALL3). Identifiers: MedGen C3809874, MONDO:0014241, OMIM 615545.

Allele frequency attached by ClinVar (database versions not stated): ExAC 0.00014; gnomAD 0.00017; TOPMed 0.00019.
gnomAD v4.1: 359 of 1,581,752 alleles (0.023%); highest among the groups gnomAD compares: Non-Finnish European, 0.029%; no homozygotes.

Submissions (3):

Labcorp Genetics (formerly Invitae), Labcorp
Classification: Uncertain significance. Last evaluated: 2025-12-09. Review status: criteria provided, single submitter. Criteria: Invitae Variant Classification Sherloc (09022015). Collection method: clinical testing. Allele origin: germline.
Comment: This sequence change replaces arginine, which is basic and polar, with histidine, which is basic and polar, at codon 305 of the PAX5 protein (p.Arg305His). This variant is present in population databases (rs199646937, gnomAD 0.02%). This variant has not been reported in the literature in individuals affected with PAX5-related conditions. ClinVar contains an entry for this variant (Variation ID: 2073122). Invitae Evidence Modeling of protein sequence and biophysical properties (such as structural, functional, and spatial information, amino acid conservation, physicochemical variation, residue mobility, and thermodynamic stability) indicates that this missense variant is not expected to disrupt PAX5 protein function with a negative predictive value of 80%. In summary, the available evidence is currently insufficient to determine the role of this variant in disease. Therefore, it has been classified as a Variant of Uncertain Significance.

GeneDx
Classification: Uncertain significance. Last evaluated: 2025-04-04. Review status: criteria provided, single submitter. Criteria: GeneDx Variant Classification Process June 2021. Collection method: clinical testing. Allele origin: germline. Affected: yes.
Comment: In silico analysis supports that this missense variant has a deleterious effect on protein structure/function; Has not been previously published as pathogenic or benign to our knowledge

St. Jude Molecular Pathology, St. Jude Children's Research Hospital
Classification: Uncertain significance for Leukemia, acute lymphoblastic, susceptibility to, 3. Last evaluated: 2023-03-20. Review status: criteria provided, single submitter. Criteria: St. Jude Assertion Criteria 2020. Collection method: clinical testing. Allele origin: germline.
Comment: The PAX5 c.914G>A (p.Arg305His) missense change has a maximum subpopulation frequency of 0.023% in gnomAD v2.1.1. The in silico tool REVEL is inconclusive about a pathogenic or benign effect of this variant on protein function, and to our knowledge functional studies have not been performed. To our knowledge, this variant has not been reported in individuals with acute lymphoblastic leukemia. In summary, the evidence currently available is insufficient to determine the clinical significance of this variant. It has therefore been classified as of uncertain significance.

NM_016734.3(PAX5):c.914G>A (p.Arg305His)

Gene: PAX5 (paired box 5; minus strand). Cytogenetic location: 9p13.2.
Variant type: single nucleotide variant.
Coding change: c.914G>A on transcript NM_016734.3 (MANE Select); coding-DNA position 914, G replaced by A.
Protein change: p.Arg305His; replaces arginine 305 with histidine.
Molecular consequence: missense variant. On other transcripts: non-coding transcript variant (2), intron variant (6).
Genome position (GRCh38, 1-based): chr9:36,882,102, C>T on the plus strand (G>A on the coding strand, the complement: PAX5 is on the minus strand). VCF-style: chr9-36882102-C-T. GRCh37 (hg19) VCF-style: chr9-36882099-C-T.
Other names: c.914G>A, p.Arg305His (NM_001280548.2); c.785G>A, p.Arg262His (NM_001280553.2, NM_001280554.2); c.590G>A, p.Arg197His (NM_001280556.2); c.586+41253G>A (NM_001280551.2); c.713-35173G>A (NM_001280555.2); c.781-41466G>A (NM_001280550.2); c.781-35173G>A (NM_001280549.2); c.910+41253G>A (NM_001280552.2); and 2 more; short protein forms R262H, R305H, R197H.
Identifiers: ClinVar variation 2073122 (VCV002073122.6), dbSNP rs199646937, ClinGen allele CA5058116.